The following is an entry in ClinVar:

ClinVar aggregate classification (germline): Uncertain significance (1 of 4 stars; one submission).

Submission:

Labcorp Genetics (formerly Invitae), Labcorp
Classification: Uncertain significance. Last evaluated: 2025-08-19. Review status: criteria provided, single submitter. Criteria: Invitae Variant Classification Sherloc (09022015). Collection method: clinical testing. Allele origin: germline.
Comment: This sequence change falls in intron 7 of the SLC41A1 gene. It does not directly change the encoded amino acid sequence of the SLC41A1 protein. It affects a nucleotide within the consensus splice site. This variant is present in population databases (rs749220202, gnomAD 0.04%). This variant has not been reported in the literature in individuals affected with SLC41A1-related conditions. ClinVar contains an entry for this variant (Variation ID: 3708838). Variants that disrupt the consensus splice site are a relatively common cause of aberrant splicing (PMID: 17576681, 9536098). Algorithms developed to predict the effect of sequence changes on RNA splicing suggest that this variant is not likely to affect RNA splicing. In summary, the available evidence is currently insufficient to determine the role of this variant in disease. Therefore, it has been classified as a Variant of Uncertain Significance.

Literature cited by the submitters: PubMed 17576681; PubMed 9536098.

NM_173854.6(SLC41A1):c.992+4G>C

Gene: SLC41A1 (solute carrier family 41 member 1; minus strand). Cytogenetic location: 1q32.1.
Variant type: single nucleotide variant.
Coding change: c.992+4G>C on transcript NM_173854.6 (MANE Select); 4 bases into the intron after coding-DNA position 992, G replaced by C.
Molecular consequence: intron variant.
Genome position (GRCh38, 1-based): chr1:205,797,900, C>G on the plus strand (G>C on the coding strand, the complement: SLC41A1 is on the minus strand). VCF-style: chr1-205797900-C-G. GRCh37 (hg19) VCF-style: chr1-205767028-C-G.
Identifiers: ClinVar variation 3708838 (VCV003708838.2).